The following is an entry in ClinVar:

NM_017636.4(TRPM4):c.2564G>T (p.Arg855Leu)

Gene: TRPM4 (transient receptor potential cation channel subfamily M member 4; plus strand). Cytogenetic location: 19q13.33.
Variant type: single nucleotide variant.
Coding change: c.2564G>T on transcript NM_017636.4 (MANE Select); coding-DNA position 2564, G replaced by T.
Protein change: p.Arg855Leu; replaces arginine 855 with leucine.
Molecular consequence: missense variant. On other transcripts: intron variant (1).
Genome position (GRCh38, 1-based): chr19:49,196,793, G>T. VCF-style: chr19-49196793-G-T. GRCh37 (hg19) VCF-style: chr19-49700050-G-T.
Other names: c.2219G>T, p.Arg740Leu (NM_001321281.2); c.956G>T, p.Arg319Leu (NM_001321282.2); c.2042G>T, p.Arg681Leu (NM_001321283.2); c.1502G>T, p.Arg501Leu (NM_001321285.2); c.2211-3507G>T (NM_001195227.2); short protein forms R501L, R855L, R681L, R740L, R319L.
Identifiers: ClinVar variation 894661 (VCV000894661.13), dbSNP rs1288174566, ClinGen allele CA406809478.
Genomic context (GRCh38, chr19:49,196,793, plus strand): 5'-GAGGCGGGGGCAGCCTCGCCAGCGGGGGCCCCGGGCCTGGCCATGCCTCACTGAGCCAGC[G>T]CCTGCGCCTCTACCTCGCCGACAGCTGGAACCAGTGCGACCTAGTGGCTCTCACCTGCTT-3'
Protein context (NP_060106.2, residues 845-865): PGPGHASLSQ[Arg855Leu]LRLYLADSWN

ClinVar aggregate classification (germline): Uncertain significance. Review status: criteria provided, multiple submitters, no conflicts (2 of 4 stars). 4 submissions from 4 submitters: Uncertain significance (4). Last evaluated 2025-12-09.

Conditions:
Progressive familial heart block type IB (PFHB1B). Identifiers: Orphanet 871, MedGen C1970298, MONDO:0011474, OMIM 604559.
Erythrokeratodermia variabilis et progressiva 6. Identifiers: MedGen C5193144, MONDO:0032801, OMIM 618531.
Cardiovascular phenotype. Identifiers: MedGen CN230736.

Allele frequency attached by ClinVar (database versions not stated): gnomAD exomes below 0.00001 and 0.00001; gnomAD 0.00001; TOPMed 0.00001.

Submissions (4):

Labcorp Genetics (formerly Invitae), Labcorp
Classification: Uncertain significance for Progressive familial heart block type IB. Last evaluated: 2025-12-09. Review status: criteria provided, single submitter. Criteria: Invitae Variant Classification Sherloc (09022015). Collection method: clinical testing. Allele origin: germline.
Comment: This sequence change replaces arginine, which is basic and polar, with leucine, which is neutral and non-polar, at codon 855 of the TRPM4 protein (p.Arg855Leu). The frequency data for this variant in the population databases is considered unreliable, as metrics indicate poor data quality at this position in the gnomAD database. This variant has not been reported in the literature in individuals affected with TRPM4-related conditions. ClinVar contains an entry for this variant (Variation ID: 894661). An algorithm developed to predict the effect of missense changes on protein structure and function (PolyPhen-2) suggests that this variant is likely to be disruptive. In summary, the available evidence is currently insufficient to determine the role of this variant in disease. Therefore, it has been classified as a Variant of Uncertain Significance.

Ambry Genetics
Classification: Uncertain significance for Cardiovascular phenotype. Last evaluated: 2024-09-17. Review status: criteria provided, single submitter. Criteria: Ambry Variant Classification Scheme 2023. Collection method: clinical testing. Allele origin: germline.
Comment: The p.R855L variant (also known as c.2564G>T), located in coding exon 17 of the TRPM4 gene, results from a G to T substitution at nucleotide position 2564. The arginine at codon 855 is replaced by leucine, an amino acid with dissimilar properties. This amino acid position is conserved. In addition, this alteration is predicted to be tolerated by in silico analysis. Based on the available evidence, the clinical significance of this variant remains unclear.

Fulgent Genetics
Classification: Uncertain significance for Progressive familial heart block type IB; Erythrokeratodermia variabilis et progressiva 6. Last evaluated: 2021-10-14. Review status: criteria provided, single submitter. Criteria: ACMG Guidelines, 2015. Collection method: clinical testing. Allele origin: unknown.

Illumina Laboratory Services, Illumina
Classification: Uncertain significance for Progressive familial heart block type IB. Last evaluated: 2018-01-13. Review status: criteria provided, single submitter. Criteria: ICSL Variant Classification Criteria 13 December 2019. Collection method: clinical testing. Allele origin: germline.